The following is an entry in ClinVar:

ClinVar aggregate classification (germline): Uncertain significance (0 of 4 stars; one submission).

Allele frequency attached by ClinVar (database versions not stated): gnomAD 0.00001; TOPMed 0.00001; gnomAD exomes 0.00002 and 0.00003; ExAC 0.00003.
gnomAD v4.1: 27 of 1,611,558 alleles (0.0017%); highest among the groups gnomAD compares: South Asian, 0.0077%; no homozygotes.

Submission:

Department of Pathology and Laboratory Medicine, Sinai Health System
Classification: Uncertain significance. Review status: no assertion criteria provided. Collection method: clinical testing. Allele origin: unknown. Affected: yes. Study: The Canadian Open Genetics Repository (COGR).
Comment: The DNAH17 p.R2971C variant was not identified in the literature nor was it identified in ClinVar. The variant was identified in dbSNP (ID: rs755460471) and in control databases in 7 of 246538 chromosomes at a frequency of 0.00002839 (Genome Aggregation Database March 6, 2019, v2.1.1). The variant was observed in the following populations: South Asian in 2 of 30366 chromosomes (freq: 0.000066), African in 1 of 15196 chromosomes (freq: 0.000066) and European (non-Finnish) in 4 of 111800 chromosomes (freq: 0.000036), but was not observed in the Latino, Ashkenazi Jewish, East Asian, European (Finnish), or Other populations. The p.R2971 residue is not conserved in mammals and computational analyses (PolyPhen-2, SIFT, MutationTaster, Revel, FATHMM, MetaLR, DANN) provide inconsistent predictions regarding the impact to the protein; this information is not very predictive of pathogenicity. The variant occurs outside of the splicing consensus sequence and in silico or computational prediction software programs (Splice AI exome) do not predict a difference in splicing. In summary, based on the above information the clinical significance of this variant cannot be determined with certainty at this time. This variant is classified as a variant of uncertain significance.

NM_173628.4(DNAH17):c.8911C>T (p.Arg2971Cys)

Gene: DNAH17 (dynein axonemal heavy chain 17; minus strand). Cytogenetic location: 17q25.3.
Variant type: single nucleotide variant.
Coding change: c.8911C>T on transcript NM_173628.4 (MANE Select); coding-DNA position 8911, C replaced by T.
Protein change: p.Arg2971Cys; replaces arginine 2971 with cysteine.
Molecular consequence: missense variant.
Genome position (GRCh38, 1-based): chr17:78,466,684, G>A on the plus strand (C>T on the coding strand, the complement: DNAH17 is on the minus strand). VCF-style: chr17-78466684-G-A. GRCh37 (hg19) VCF-style: chr17-76462766-G-A.
Other names: short protein forms R2971C.
Identifiers: ClinVar variation 1050631 (VCV001050631.1), dbSNP rs755460471, ClinGen allele CA8801601.